The following is an entry in ClinVar:

ClinVar aggregate classification (germline): Uncertain significance (1 of 4 stars; one submission).

Conditions:
Combined immunodeficiency due to DOCK8 deficiency (HIES2). Also called: DOCK8 Deficiency; HYPER-IgE RECURRENT INFECTION SYNDROME 2, AUTOSOMAL RECESSIVE; HYPER-IgE SYNDROME 2, AUTOSOMAL RECESSIVE, WITH RECURRENT INFECTIONS; HIES autosomal recessive; Hyper-IgE recurrent infection syndrome, autosomal recessive. Identifiers: Orphanet 217390, MedGen C4722305, MONDO:0009478, OMIM 243700.

Allele frequency attached by ClinVar (database versions not stated): gnomAD 0.00001 and 0.00002; TOPMed 0.00001; ExAC 0.00004; gnomAD exomes 0.00004.
gnomAD v4.1: 38 of 1,613,962 alleles (0.0024%); highest among the groups gnomAD compares: South Asian, 0.03%; no homozygotes.

Submission:

Labcorp Genetics (formerly Invitae), Labcorp
Classification: Uncertain significance for Combined immunodeficiency due to DOCK8 deficiency. Last evaluated: 2024-02-14. Review status: criteria provided, single submitter. Criteria: Invitae Variant Classification Sherloc (09022015). Collection method: clinical testing. Allele origin: germline.
Comment: This sequence change replaces arginine, which is basic and polar, with histidine, which is basic and polar, at codon 1154 of the DOCK8 protein (p.Arg1154His). This variant is present in population databases (rs753810337, gnomAD 0.02%). This variant has not been reported in the literature in individuals affected with DOCK8-related conditions. ClinVar contains an entry for this variant (Variation ID: 1375598). Advanced modeling of protein sequence and biophysical properties (such as structural, functional, and spatial information, amino acid conservation, physicochemical variation, residue mobility, and thermodynamic stability) performed at Invitae indicates that this missense variant is expected to disrupt DOCK8 protein function with a positive predictive value of 80%. In summary, the available evidence is currently insufficient to determine the role of this variant in disease. Therefore, it has been classified as a Variant of Uncertain Significance.

NM_203447.4(DOCK8):c.3461G>A (p.Arg1154His)

Gene: DOCK8 (dedicator of cytokinesis 8; plus strand). Cytogenetic location: 9p24.3.
Variant type: single nucleotide variant.
Coding change: c.3461G>A on transcript NM_203447.4 (MANE Select); coding-DNA position 3461, G replaced by A.
Protein change: p.Arg1154His; replaces arginine 1154 with histidine.
Molecular consequence: missense variant.
Genome position (GRCh38, 1-based): chr9:407,000, G>A. VCF-style: chr9-407000-G-A. GRCh37 (hg19) VCF-style: chr9-407000-G-A.
Other names: c.3161G>A, p.Arg1054His (NM_001190458.2); c.3257G>A, p.Arg1086His (NM_001193536.2); short protein forms R1054H, R1154H, R1086H.
Identifiers: ClinVar variation 1375598 (VCV001375598.7), dbSNP rs753810337, ClinGen allele CA4958696.